The following is an entry in ClinVar:

ClinVar aggregate classification (germline): Uncertain significance (1 of 4 stars; one submission).

Conditions:
Autosomal recessive limb-girdle muscular dystrophy type 2O. Also called: Limb-Girdle Muscular Dystrophy Type 3C; MUSCULAR DYSTROPHY-DYSTROGLYCANOPATHY (LIMB-GIRDLE), TYPE C, 3; MUSCULAR DYSTROPHY-DYSTROGLYCANOPATHY, LIMB-GIRDLE, POMGNT1-RELATED. Identifiers: Orphanet 206564, MedGen C3150417, MONDO:0013161, OMIM 613157.
Muscular dystrophy-dystroglycanopathy (congenital with impaired intellectual development), type B, 3. Also called: MUSCULAR DYSTROPHY, CONGENITAL, POMGNT1-RELATED; Muscular dystrophy-dystroglycanopathy (congenital with intellectual disability), type B3. Identifiers: MedGen C3150412, MONDO:0013155, OMIM 613151.

Allele frequency attached by ClinVar (database versions not stated): gnomAD exomes below 0.00001.
gnomAD v4.1: 1 of 1,614,034 alleles (0.000062%); highest among the groups gnomAD compares: Non-Finnish European, 0.000085%; no homozygotes.

Submission:

Labcorp Genetics (formerly Invitae), Labcorp
Classification: Uncertain significance for Autosomal recessive limb-girdle muscular dystrophy type 2O; Muscular dystrophy-dystroglycanopathy (congenital with impaired intellectual development), type B, 3. Last evaluated: 2021-04-09. Review status: criteria provided, single submitter. Criteria: Invitae Variant Classification Sherloc (09022015). Collection method: clinical testing. Allele origin: germline.
Comment: In summary, the available evidence is currently insufficient to determine the role of this variant in disease. Therefore, it has been classified as a Variant of Uncertain Significance. Algorithms developed to predict the effect of missense changes on protein structure and function (SIFT, PolyPhen-2, Align-GVGD) all suggest that this variant is likely to be disruptive, but these predictions have not been confirmed by published functional studies and their clinical significance is uncertain. This variant has not been reported in the literature in individuals with POMGNT1-related conditions. This variant is not present in population databases (ExAC no frequency). This sequence change replaces glycine with aspartic acid at codon 130 of the POMGNT1 protein (p.Gly130Asp). The glycine residue is highly conserved and there is a moderate physicochemical difference between glycine and aspartic acid.

NM_017739.4(POMGNT1):c.389G>A (p.Gly130Asp)

Genes: POMGNT1 (protein O-linked mannose N-acetylglucosaminyltransferase 1 (beta 1,2-); minus strand), TSPAN1 (tetraspanin 1; plus strand). Cytogenetic location: 1p34.1.
Variant type: single nucleotide variant.
Coding change: c.389G>A on transcript NM_017739.4 (MANE Select); coding-DNA position 389, G replaced by A.
Protein change: p.Gly130Asp; replaces glycine 130 with aspartic acid.
Molecular consequence: missense variant. On other transcripts: 5 prime UTR variant (1).
Genome position (GRCh38, 1-based): chr1:46,196,043, C>T on the plus strand (G>A on the coding strand, the complement: POMGNT1 is on the minus strand). VCF-style: chr1-46196043-C-T. GRCh37 (hg19) VCF-style: chr1-46661715-C-T.
Other names: c.389G>A, p.Gly130Asp (NM_001243766.2, NM_001410783.1); c.323G>A, p.Gly108Asp (NM_001290129.3); c.-41G>A (NM_001290130.2); short protein forms G108D, G130D.
Identifiers: ClinVar variation 1386193 (VCV001386193.8), dbSNP rs1197810838, ClinGen allele CA340189765.